The following is an entry in ClinVar:

ClinVar aggregate classification (germline): Conflicting classifications of pathogenicity. Review status: criteria provided, conflicting classifications (1 of 4 stars). 3 submissions from 3 submitters: Uncertain significance (2); Likely benign (1). Last evaluated 2025-09-10.

Conditions:
Hereditary cancer-predisposing syndrome. Also called: Tumor predisposition; Hereditary Cancer Syndrome; Neoplastic Syndromes, Hereditary; Hereditary neoplastic syndrome. Identifiers: Orphanet 140162, MedGen C0027672, MeSH D009386, MONDO:0015356.
Familial cancer of breast. Also called: hereditary breast carcinoma; BREAST CANCER, FAMILIAL; Hereditary breast cancer. Identifiers: Orphanet 227535, MedGen C0346153, MONDO:0016419, OMIM 114480. Disease mechanism: loss of function.

Allele frequency attached by ClinVar (database versions not stated): ExAC 0.00001.
gnomAD v4.1: 2 of 1,612,736 alleles (0.00012%); highest among the groups gnomAD compares: Non-Finnish European, 0.00017%; no homozygotes.

Submissions (3):

Quest Diagnostics Nichols Institute San Juan Capistrano
Classification: Uncertain significance. Last evaluated: 2025-09-10. Review status: criteria provided, single submitter. Criteria: Quest Diagnostics criteria. Collection method: clinical testing. Allele origin: unknown.
Comment: The BARD1 c.1321A>G (p.Ile441Val) variant has not been reported in individuals with BARD1-related conditions in the published literature. The frequency of this variant in the general population (Genome Aggregation Database) is uninformative in the assessment of its pathogenicity. Analysis of this variant using bioinformatics tools for the prediction of the effect of amino acid changes on protein structure and function yielded predictions that this variant is benign. Based on the available information, we are unable to determine the clinical significance of this variant.

Ambry Genetics
Classification: Likely benign for Hereditary cancer-predisposing syndrome. Last evaluated: 2024-06-07. Review status: criteria provided, single submitter. Criteria: Ambry Variant Classification Scheme 2023. Collection method: clinical testing. Allele origin: germline.

Labcorp Genetics (formerly Invitae), Labcorp
Classification: Uncertain significance for Familial cancer of breast. Last evaluated: 2022-12-23. Review status: criteria provided, single submitter. Criteria: Invitae Variant Classification Sherloc (09022015). Collection method: clinical testing. Allele origin: germline.
Comment: In summary, the available evidence is currently insufficient to determine the role of this variant in disease. Therefore, it has been classified as a Variant of Uncertain Significance. Algorithms developed to predict the effect of missense changes on protein structure and function output the following: SIFT: "Tolerated"; PolyPhen-2: "Benign"; Align-GVGD: "Class C0". The valine amino acid residue is found in multiple mammalian species, which suggests that this missense change does not adversely affect protein function. This variant has not been reported in the literature in individuals affected with BARD1-related conditions. This variant is present in population databases (rs756180801, gnomAD 0.0009%). This sequence change replaces isoleucine, which is neutral and non-polar, with valine, which is neutral and non-polar, at codon 441 of the BARD1 protein (p.Ile441Val).

NM_000465.4(BARD1):c.1321A>G (p.Ile441Val)

Gene: BARD1 (BRCA1 associated RING domain 1; minus strand). Cytogenetic location: 2q35.
Variant type: single nucleotide variant.
Coding change: c.1321A>G on transcript NM_000465.4 (MANE Select); coding-DNA position 1321, A replaced by G.
Protein change: p.Ile441Val; replaces isoleucine 441 with valine.
Molecular consequence: missense variant. On other transcripts: non-coding transcript variant (3), intron variant (3).
Genome position (GRCh38, 1-based): chr2:214,769,306, T>C on the plus strand (A>G on the coding strand, the complement: BARD1 is on the minus strand). VCF-style: chr2-214769306-T-C. GRCh37 (hg19) VCF-style: chr2-215634030-T-C.
Other names: c.1321A>G (NM_000465.2, NM_000465.3); c.1264A>G, p.Ile422Val (NM_001282543.2); c.159-16751A>G (NM_001282548.2); c.216-16751A>G (NM_001282545.2); c.364+22991A>G (NM_001282549.2); short protein forms I422V, I441V.
Identifiers: ClinVar variation 2419462 (VCV002419462.8), dbSNP rs756180801, ClinGen allele CA2090286.